The following is an entry in ClinVar:

NM_000137.4(FAH):c.1125G>A (p.Leu375=)

Gene: FAH (fumarylacetoacetate hydrolase; plus strand). Cytogenetic location: 15q25.1.
Variant type: single nucleotide variant.
Coding change: c.1125G>A on transcript NM_000137.4 (MANE Select); coding-DNA position 1125, G replaced by A.
Protein change: p.Leu375=; no amino-acid change (leucine 375 retained).
Molecular consequence: synonymous variant.
Genome position (GRCh38, 1-based): chr15:80,181,104, G>A. VCF-style: chr15-80181104-G-A. GRCh37 (hg19) VCF-style: chr15-80473446-G-A.
Other names: c.1125G>A, p.Leu375= (NM_001374377.1, NM_001374380.1).
Identifiers: ClinVar variation 748494 (VCV000748494.11), dbSNP rs573995081, ClinGen allele CA7691497.
Genomic context (GRCh38, chr15:80,181,104, plus strand): 5'-GCCAGAAAACTTCGGCTCCATGTTGGAACTGTCGTGGAAGGGAACGAAGCCCATAGACCT[G>A]GGGAATGGTCAGACCAGGAAGTTTCTGCTGGACGGGGATGAAGTCATCATAACAGGTGAG-3'
Protein context (NP_000128.1, residues 365-385): LSWKGTKPID[Leu375=]GNGQTRKFLL

ClinVar aggregate classification (germline): Likely benign. Review status: criteria provided, single submitter (1 of 4 stars). 2 submissions from 2 submitters: Likely benign (1). 1 of the submissions does not count toward it. Last evaluated 2023-12-18.

Conditions:
Tyrosinemia type I (TYRSN1). Also called: FAH DEFICIENCY; HEPATORENAL TYROSINEMIA; Tyrosinemia type 1; Fumarylacetoacetase deficiency; Deficiency of fumarylacetoacetase. Identifiers: Orphanet 882, MedGen C0268490, MONDO:0010161, OMIM 276700. Disease mechanism: loss of function.
FAH-related disorder. Also called: FAH-related condition.

Allele frequency attached by ClinVar (database versions not stated): gnomAD 0.00001; gnomAD exomes 0.00001 and 0.00002; ExAC 0.00002; TOPMed 0.00003; 1000 Genomes Project 30x 0.00016; 1000 Genomes Project 0.00020.
gnomAD v4.1: 9 of 1,613,922 alleles (0.00056%); highest among the groups gnomAD compares: Admixed American, 0.0033%; no homozygotes.

Submissions (2):

Labcorp Genetics (formerly Invitae), Labcorp
Classification: Likely benign for Tyrosinemia type I. Last evaluated: 2023-12-18. Review status: criteria provided, single submitter. Criteria: Invitae Variant Classification Sherloc (09022015). Collection method: clinical testing. Allele origin: germline.

PreventionGenetics, part of Exact Sciences
Classification: Likely benign for FAH-related condition. Last evaluated: 2024-09-26. Review status: no assertion criteria provided. Collection method: clinical testing. Allele origin: germline. Not counted in ClinVar's aggregate classification.
Comment: This variant is classified as likely benign based on ACMG/AMP sequence variant interpretation guidelines (Richards et al. 2015 PMID: 25741868, with internal and published modifications).